The following is an entry in ClinVar:

ClinVar aggregate classification (germline): Uncertain significance. Review status: criteria provided, multiple submitters, no conflicts (2 of 4 stars). 3 submissions from 3 submitters: Uncertain significance (3). Last evaluated 2025-12-04.

Conditions:
Neuroblastoma, susceptibility to, 2. Identifiers: Orphanet 635, MedGen C2751682, MONDO:0700041, OMIM 613013.
Haddad syndrome (OHD). Also called: Ondine-Hirschsprung disease. Identifiers: Orphanet 99803, MedGen C1859049, MONDO:0020493.
Hereditary cancer-predisposing syndrome. Also called: Neoplastic Syndromes, Hereditary; Tumor predisposition; Hereditary Cancer Syndrome; Hereditary neoplastic syndrome. Identifiers: Orphanet 140162, MedGen C0027672, MeSH D009386, MONDO:0015356.

Allele frequency attached by ClinVar (database versions not stated): gnomAD exomes 0.00001.
gnomAD v4.1: 3 of 1,608,860 alleles (0.00019%); highest among the groups gnomAD compares: Non-Finnish European, 0.00025%; no homozygotes.

Submissions (3):

Ambry Genetics
Classification: Uncertain significance for Hereditary cancer-predisposing syndrome. Last evaluated: 2025-12-04. Review status: criteria provided, single submitter. Criteria: Ambry Variant Classification Scheme 2023. Collection method: clinical testing. Allele origin: germline.
Comment: The p.N302Y variant (also known as c.904A>T), located in coding exon 3 of the PHOX2B gene, results from an A to T substitution at nucleotide position 904. The asparagine at codon 302 is replaced by tyrosine, an amino acid with dissimilar properties. This amino acid position is highly conserved in available vertebrate species. In addition, the in silico prediction for this alteration is inconclusive. Based on the available evidence, the clinical significance of this variant remains unclear.

Baylor Genetics
Classification: Uncertain significance for Neuroblastoma, susceptibility to, 2. Last evaluated: 2023-09-06. Review status: criteria provided, single submitter. Criteria: ACMG Guidelines, 2015. Collection method: clinical testing. Allele origin: unknown.

Labcorp Genetics (formerly Invitae), Labcorp
Classification: Uncertain significance for Haddad syndrome. Last evaluated: 2022-08-03. Review status: criteria provided, single submitter. Criteria: Invitae Variant Classification Sherloc (09022015). Collection method: clinical testing. Allele origin: germline.
Comment: This variant is not present in population databases (gnomAD no frequency). In summary, the available evidence is currently insufficient to determine the role of this variant in disease. Therefore, it has been classified as a Variant of Uncertain Significance. Algorithms developed to predict the effect of missense changes on protein structure and function are either unavailable or do not agree on the potential impact of this missense change (SIFT: "Deleterious"; PolyPhen-2: "Not Available"; Align-GVGD: "Class C15"). ClinVar contains an entry for this variant (Variation ID: 651541). This variant has not been reported in the literature in individuals affected with PHOX2B-related conditions. This sequence change replaces asparagine, which is neutral and polar, with tyrosine, which is neutral and polar, at codon 302 of the PHOX2B protein (p.Asn302Tyr).

NM_003924.4(PHOX2B):c.904A>T (p.Asn302Tyr)

Gene: PHOX2B (paired like homeobox 2B; minus strand). Cytogenetic location: 4p13.
Variant type: single nucleotide variant.
Coding change: c.904A>T on transcript NM_003924.4 (MANE Select); coding-DNA position 904, A replaced by T.
Protein change: p.Asn302Tyr; replaces asparagine 302 with tyrosine.
Molecular consequence: missense variant.
Genome position (GRCh38, 1-based): chr4:41,745,848, T>A on the plus strand (A>T on the coding strand, the complement: PHOX2B is on the minus strand). VCF-style: chr4-41745848-T-A. GRCh37 (hg19) VCF-style: chr4-41747865-T-A.
Other names: short protein forms N302Y.
Identifiers: ClinVar variation 651541 (VCV000651541.16), dbSNP rs1577558708, ClinGen allele CA356736777.
Genomic context (GRCh38, chr4:41,745,848, plus strand): 5'-GCCGCCGCAGGATTCCAGATCAGAACATACTGCTCTTCACTAAGGCGGCTTTGGCACCGT[T>A]GGGTCTTTGGAGCGAAGATAGGACGCTGGCGAAGGGACCCCCAAGCGAATCCGGGATGGA-3'
Protein context (NP_003915.2, residues 292-312): ASVLSSLQRP[Asn302Tyr]GAKAALVKSS